The following is an entry in ClinVar:

NM_001032283.3(TMPO):c.370C>T (p.Leu124Phe)

Gene: TMPO (thymopoietin; plus strand). Cytogenetic location: 12q23.1.
Variant type: single nucleotide variant.
Coding change: c.370C>T on transcript NM_001032283.3 (MANE Select); coding-DNA position 370, C replaced by T.
Protein change: p.Leu124Phe; replaces leucine 124 with phenylalanine.
Molecular consequence: missense variant.
Genome position (GRCh38, 1-based): chr12:98,527,976, C>T. VCF-style: chr12-98527976-C-T. GRCh37 (hg19) VCF-style: chr12-98921754-C-T.
Other names: c.370C>T, p.Leu124Phe (NM_001032284.3, NM_001307975.2, NM_003276.2); short protein forms L124F.
Identifiers: ClinVar variation 427956 (VCV000427956.14), dbSNP rs375619307, ClinGen allele CA6732175.

ClinVar aggregate classification (germline): Uncertain significance. Review status: criteria provided, multiple submitters, no conflicts (2 of 4 stars). 2 submissions from 2 submitters: Uncertain significance (2). Last evaluated 2025-11-12.

Conditions:
Primary dilated cardiomyopathy (DCM). Also called: Dilated Cardiomyopathy. Identifiers: Orphanet 217604, MedGen C0007193, MeSH D002311, MONDO:0005021, HP:0001644. Inheritance: Various modes of inheritance.
Loeys-Dietz syndrome 2 (LDS2). Also called: TGFBR2-Related Loeys-Dietz Syndrome; Marfan syndrome, type 2 (formerly); Marfan Syndrome type 2; Marfan like connective tissue disorder; MFS 2; AORTIC ANEURYSM, FAMILIAL THORACIC 3. Identifiers: Orphanet 284973, Orphanet 558, MedGen C2674574, MONDO:0012427, OMIM 610168.

Allele frequency attached by ClinVar (database versions not stated): ExAC 0.00002; gnomAD 0.00002 and 0.00003; gnomAD exomes 0.00003; TOPMed 0.00003; ESP Exome Variant Server 0.00008.
gnomAD v4.1: 53 of 1,613,740 alleles (0.0033%); highest among the groups gnomAD compares: Non-Finnish European, 0.0039%; no homozygotes.

Submissions (2):

Labcorp Genetics (formerly Invitae), Labcorp
Classification: Uncertain significance for Loeys-Dietz syndrome 2. Last evaluated: 2025-11-12. Review status: criteria provided, single submitter. Criteria: Invitae Variant Classification Sherloc (09022015). Collection method: clinical testing. Allele origin: germline.
Comment: This sequence change replaces leucine, which is neutral and non-polar, with phenylalanine, which is neutral and non-polar, at codon 124 of the TMPO protein (p.Leu124Phe). This variant is present in population databases (rs375619307, gnomAD 0.006%). This missense change has been observed in individual(s) with dilated cardiomypathy (PMID: 36672271). ClinVar contains an entry for this variant (Variation ID: 427956). An algorithm developed to predict the effect of missense changes on protein structure and function (PolyPhen-2) suggests that this variant is likely to be disruptive. Experimental studies have shown that this missense change affects TMPO function (PMID: 36672271). In summary, the available evidence is currently insufficient to determine the role of this variant in disease. Therefore, it has been classified as a Variant of Uncertain Significance.

Center for Human Genetics, University of Leuven
Classification: Uncertain significance for Primary dilated cardiomyopathy. Last evaluated: 2017-02-09. Review status: criteria provided, single submitter. Criteria: ACMG Guidelines, 2015. Collection method: clinical testing. Allele origin: germline. Inheritance: Autosomal dominant inheritance. Affected: yes. Observed: 1 variant allele.
Comment: ACMG score unknown significance

Literature cited by the submitters: PubMed 36672271 (cited by Labcorp Genetics (formerly Invitae), Labcorp).